The following is an entry in ClinVar:

ClinVar aggregate classification (germline): Uncertain significance. Review status: criteria provided, multiple submitters, no conflicts (2 of 4 stars). 3 submissions from 3 submitters: Uncertain significance (3). Last evaluated 2025-09-23.

Conditions:
Dilated cardiomyopathy 1JJ (CMD1JJ). Identifiers: Orphanet 154, MedGen C3808935, MONDO:0014095, OMIM 615235.
Cardiovascular phenotype. Identifiers: MedGen CN230736.

Allele frequency attached by ClinVar (database versions not stated): ExAC 0.00001; gnomAD exomes 0.00001; ESP Exome Variant Server 0.00023; TOPMed 0.00004.
gnomAD v4.1: 4 of 1,614,048 alleles (0.00025%); highest among the groups gnomAD compares: Middle Eastern, 0.017%; no homozygotes.

Submissions (3):

Labcorp Genetics (formerly Invitae), Labcorp
Classification: Uncertain significance for Dilated cardiomyopathy 1JJ. Last evaluated: 2025-09-23. Review status: criteria provided, single submitter. Criteria: Invitae Variant Classification Sherloc (09022015). Collection method: clinical testing. Allele origin: germline.
Comment: This sequence change replaces glycine, which is neutral and non-polar, with serine, which is neutral and polar, at codon 1589 of the LAMA4 protein (p.Gly1589Ser). This variant is present in population databases (rs373949918, gnomAD 0.007%). This variant has not been reported in the literature in individuals affected with LAMA4-related conditions. ClinVar contains an entry for this variant (Variation ID: 579669). Invitae Evidence Modeling of protein sequence and biophysical properties (such as structural, functional, and spatial information, amino acid conservation, physicochemical variation, residue mobility, and thermodynamic stability) indicates that this missense variant is not expected to disrupt LAMA4 protein function with a negative predictive value of 80%. In summary, the available evidence is currently insufficient to determine the role of this variant in disease. Therefore, it has been classified as a Variant of Uncertain Significance.

Ambry Genetics
Classification: Uncertain significance for Cardiovascular phenotype. Last evaluated: 2024-12-14. Review status: criteria provided, single submitter. Criteria: Ambry Variant Classification Scheme 2023. Collection method: clinical testing. Allele origin: germline.
Comment: The p.G1589S variant (also known as c.4765G>A), located in coding exon 33 of the LAMA4 gene, results from a G to A substitution at nucleotide position 4765. The glycine at codon 1589 is replaced by serine, an amino acid with similar properties. This amino acid position is conserved. In addition, this alteration is predicted to be deleterious by in silico analysis. Since supporting evidence is limited at this time, the clinical significance of this alteration remains unclear.

AiLife Diagnostics
Classification: Uncertain significance. Last evaluated: 2021-12-30. Review status: criteria provided, single submitter. Criteria: ACMG Guidelines, 2015. Collection method: clinical testing. Allele origin: germline. Affected: yes. Observed: 2 variant alleles.

NM_001105206.3(LAMA4):c.4786G>A (p.Gly1596Ser)

Gene: LAMA4 (laminin subunit alpha 4; minus strand). Cytogenetic location: 6q21.
Variant type: single nucleotide variant.
Coding change: c.4786G>A on transcript NM_001105206.3 (MANE Select); coding-DNA position 4786, G replaced by A.
Protein change: p.Gly1596Ser; replaces glycine 1596 with serine.
Molecular consequence: missense variant.
Genome position (GRCh38, 1-based): chr6:112,119,191, C>T on the plus strand (G>A on the coding strand, the complement: LAMA4 is on the minus strand). VCF-style: chr6-112119191-C-T. GRCh37 (hg19) VCF-style: chr6-112440394-C-T.
Other names: c.4765G>A, p.Gly1589Ser (NM_001105207.3, NM_002290.5); short protein forms G1589S, G1596S.
Identifiers: ClinVar variation 579669 (VCV000579669.12), dbSNP rs373949918, ClinGen allele CA3964909.
Genomic context (GRCh38, chr6:112,119,191, plus strand): 5'-CTCTACCTGGTCATGCCTGGCTTACCTGAACATTTTTCACAGCCTTTCCAGGAGCCACAC[C>T]TCCCAAATAAATGGGACCCTTGATTTTCCAGGTAGCTTCAGTAGGAGGAAGACTTTCTTC-3'
Protein context (NP_001098676.2, residues 1586-1606): WKIKGPIYLG[Gly1596Ser]VAPGKAVKNV